The following is an entry in ClinVar:

NM_000287.4(PEX6):c.817G>C (p.Val273Leu)

Gene: PEX6 (peroxisomal biogenesis factor 6; minus strand). Cytogenetic location: 6p21.1.
Variant type: single nucleotide variant.
Coding change: c.817G>C on transcript NM_000287.4 (MANE Select); coding-DNA position 817, G replaced by C.
Protein change: p.Val273Leu; replaces valine 273 with leucine.
Molecular consequence: missense variant. On other transcripts: non-coding transcript variant (1), intron variant (1).
Genome position (GRCh38, 1-based): chr6:42,978,334, C>G on the plus strand (G>C on the coding strand, the complement: PEX6 is on the minus strand). VCF-style: chr6-42978334-C-G. GRCh37 (hg19) VCF-style: chr6-42946072-C-G.
Other names: c.618+199G>C (NM_001316313.2); short protein forms V273L.
Identifiers: ClinVar variation 1469887 (VCV001469887.5), dbSNP rs1770393206, ClinGen allele CA364161697.

ClinVar aggregate classification (germline): Uncertain significance (1 of 4 stars; one submission).

Conditions:
Peroxisome biogenesis disorder. Identifiers: Orphanet 79189, MedGen C1832200, MONDO:0019234. Disease mechanism: loss of function.

Submission:

Labcorp Genetics (formerly Invitae), Labcorp
Classification: Uncertain significance for Peroxisome biogenesis disorder. Last evaluated: 2021-09-02. Review status: criteria provided, single submitter. Criteria: Invitae Variant Classification Sherloc (09022015). Collection method: clinical testing. Allele origin: germline.
Comment: This sequence change replaces valine with leucine at codon 273 of the PEX6 protein (p.Val273Leu). The valine residue is weakly conserved and there is a small physicochemical difference between valine and leucine. This variant is not present in population databases (ExAC no frequency). This variant has not been reported in the literature in individuals affected with PEX6-related conditions. Algorithms developed to predict the effect of missense changes on protein structure and function (SIFT, PolyPhen-2, Align-GVGD) all suggest that this variant is likely to be tolerated. In summary, the available evidence is currently insufficient to determine the role of this variant in disease. Therefore, it has been classified as a Variant of Uncertain Significance.